The following is an entry in ClinVar:

ClinVar aggregate classification (germline): Uncertain significance (1 of 4 stars; one submission).

Conditions:
Hereditary nonpolyposis colorectal neoplasms. Identifiers: MedGen C0009405, MeSH D003123.

Submission:

Labcorp Genetics (formerly Invitae), Labcorp
Classification: Uncertain significance for Hereditary nonpolyposis colon cancer. Last evaluated: 2019-07-12. Review status: criteria provided, single submitter. Criteria: Invitae Variant Classification Sherloc (09022015). Collection method: clinical testing. Allele origin: germline.
Comment: This variant results in a copy number gain of the genomic region encompassing the full coding sequence of the MSH6 gene. The boundaries of this event are unknown as they extend beyond the assayed region for this gene and therefore may encompass additional genes. As the precise location of this event is unknown, it may be in tandem or it may be located elsewhere in the genome. This variant has not been reported in the literature in individuals with MSH6-related conditions. In summary, the available evidence is currently insufficient to determine the role of this variant in disease. Therefore, it has been classified as a Variant of Uncertain Significance.

NC_000002.11:g.(?_48010363)_(48034009_?)dup

Genes: MSH6 (mutS homolog 6; plus strand), LOC129933707 (ATAC-STARR-seq lymphoblastoid silent region 11468; plus strand), LOC129933708 (ATAC-STARR-seq lymphoblastoid silent region 11469; plus strand). Cytogenetic location: 2p16.3.
Variant type: Duplication.
Identifiers: ClinVar variation 662863 (VCV000662863.2).